The following is an entry in ClinVar:

NM_002878.4(RAD51D):c.634G>A (p.Val212Ile)

Genes: RAD51L3-RFFL (RAD51L3-RFFL readthrough; minus strand), RAD51D (RAD51 paralog D; minus strand). Cytogenetic location: 17q12.
Variant type: single nucleotide variant.
Coding change: c.634G>A on transcript NM_002878.4 (MANE Select); coding-DNA position 634, G replaced by A.
Protein change: p.Val212Ile; replaces valine 212 with isoleucine.
Molecular consequence: missense variant. On other transcripts: non-coding transcript variant (3).
Genome position (GRCh38, 1-based): chr17:35,103,487, C>T on the plus strand (G>A on the coding strand, the complement: RAD51D is on the minus strand). VCF-style: chr17-35103487-C-T. GRCh37 (hg19) VCF-style: chr17-33430506-C-T.
Other names: p.V212I:GTT>ATT; c.694G>A, p.Val232Ile (NM_001142571.2); c.298G>A, p.Val100Ile (NM_133629.3); short protein forms V212I, V232I, V100I.
Identifiers: ClinVar variation 182861 (VCV000182861.20), dbSNP rs730881948, ClinGen allele CA299939.

ClinVar aggregate classification (germline): Uncertain significance. Review status: criteria provided, multiple submitters, no conflicts (2 of 4 stars). 5 submissions from 5 submitters: Uncertain significance (5). Last evaluated 2025-11-23.

Conditions:
Hereditary cancer-predisposing syndrome. Also called: Tumor predisposition; Hereditary Cancer Syndrome; Hereditary neoplastic syndrome; Neoplastic Syndromes, Hereditary. Identifiers: Orphanet 140162, MedGen C0027672, MeSH D009386, MONDO:0015356.
Breast-ovarian cancer, familial, susceptibility to, 4. Identifiers: Orphanet 145, MedGen C3280345, MONDO:0013669, OMIM 614291.

Submissions (5):

Ambry Genetics
Classification: Uncertain significance for Hereditary cancer-predisposing syndrome. Last evaluated: 2025-11-23. Review status: criteria provided, single submitter. Criteria: Ambry Variant Classification Scheme 2023. Collection method: clinical testing. Allele origin: germline.
Comment: The p.V212I variant (also known as c.634G>A), located in coding exon 7 of the RAD51D gene, results from a G to A substitution at nucleotide position 634. The valine at codon 212 is replaced by isoleucine, an amino acid with highly similar properties. This variant was not reported in population based cohorts in the following databases: Database of Single Nucleotide Polymorphisms (dbSNP), NHLBI Exome Sequencing Project (ESP), and 1000 Genomes Project. In the ESP, this variant was not observed in 6503 samples (13006 alleles) with coverage at this position. To date, this alteration has been detected with an allele frequency of approximately 0.001% (greater than 175000 alleles tested) in our clinical cohort. This amino acid position is well conserved in available vertebrate species. In addition, this alteration is predicted to be tolerated by in silico analysis. Since supporting evidence is limited at this time, the clinical significance of this alteration remains unclear.

Baylor Genetics
Classification: Uncertain significance for Breast-ovarian cancer, familial, susceptibility to, 4. Last evaluated: 2024-01-06. Review status: criteria provided, single submitter. Criteria: ACMG Guidelines, 2015. Collection method: clinical testing. Allele origin: unknown.

Color Diagnostics, LLC DBA Color Health
Classification: Uncertain significance for Hereditary cancer-predisposing syndrome. Last evaluated: 2023-12-05. Review status: criteria provided, single submitter. Criteria: ACMG Guidelines, 2015. Collection method: clinical testing. Allele origin: germline.
Comment: This missense variant replaces valine with isoleucine at codon 212 of the RAD51D protein. Computational prediction suggests that this variant may not impact protein structure and function (internally defined REVEL score threshold <= 0.5, PMID: 27666373). To our knowledge, functional studies have not been reported for this variant. This variant has not been reported in individuals affected with RAD51D-related disorders in the literature. This variant has not been identified in the general population by the Genome Aggregation Database (gnomAD). The available evidence is insufficient to determine the role of this variant in disease conclusively. Therefore, this variant is classified as a Variant of Uncertain Significance.

Labcorp Genetics (formerly Invitae), Labcorp
Classification: Uncertain significance for Breast-ovarian cancer, familial, susceptibility to, 4. Last evaluated: 2023-07-16. Review status: criteria provided, single submitter. Criteria: Invitae Variant Classification Sherloc (09022015). Collection method: clinical testing. Allele origin: germline.
Comment: ClinVar contains an entry for this variant (Variation ID: 182861). This variant has not been reported in the literature in individuals affected with RAD51D-related conditions. This variant is not present in population databases (gnomAD no frequency). This sequence change replaces valine, which is neutral and non-polar, with isoleucine, which is neutral and non-polar, at codon 212 of the RAD51D protein (p.Val212Ile). In summary, the available evidence is currently insufficient to determine the role of this variant in disease. Therefore, it has been classified as a Variant of Uncertain Significance. Advanced modeling of protein sequence and biophysical properties (such as structural, functional, and spatial information, amino acid conservation, physicochemical variation, residue mobility, and thermodynamic stability) performed at Invitae indicates that this missense variant is not expected to disrupt RAD51D protein function.

GeneDx
Classification: Uncertain significance. Last evaluated: 2014-07-09. Review status: criteria provided, single submitter. Criteria: GeneDx Variant Classification (06012015). Collection method: clinical testing. Allele origin: germline. Affected: yes.
Comment: This variant is denoted RAD51D c.634G>A at the cDNA level, p.Val212Ile (V212I) at the protein level, and results in the change of a Valine to an Isoleucine (GTT>ATT). This variant has not, to our knowledge, been published in the literature as pathogenic or benign. RAD51D Val212Ile was not observed in approximately 6,500 individuals of European and African American ancestry in the NHLBI Exome Sequencing Project, indicating it is not a common benign variant in these populations. Since Valine and Isoleucine share similar properties, this is considered a conservative amino acid substitution. RAD51D Val212Ile occurs at a position that is well conserved across species and is not located in a known functional domain (Miller 2014). In silico analyses predict that this variant is unlikely to alter protein structure or function. Based on currently available information, it is unclear whether RAD51D Val212Ile is pathogenic or benign. We consider it to be a variant of uncertain significance.